The following is an entry in ClinVar:

ClinVar aggregate classification (germline): Uncertain significance (1 of 4 stars; one submission).

Conditions:
ALG9 congenital disorder of glycosylation (CDG1L). Also called: CONGENITAL DISORDER OF GLYCOSYLATION, TYPE Il; ALG9-CDG; CDG Il. Identifiers: Orphanet 79328, MedGen C2931006, MONDO:0012117, OMIM 608776.

Allele frequency attached by ClinVar (database versions not stated): gnomAD exomes 0.00002.
gnomAD v4.1: 19 of 1,453,352 alleles (0.0013%); highest among the groups gnomAD compares: Non-Finnish European, 0.0018%; no homozygotes.

Submission:

Labcorp Genetics (formerly Invitae), Labcorp
Classification: Uncertain significance for ALG9 congenital disorder of glycosylation. Last evaluated: 2023-06-29. Review status: criteria provided, single submitter. Criteria: Invitae Variant Classification Sherloc (09022015). Collection method: clinical testing. Allele origin: germline.
Comment: This sequence change falls in intron 2 of the ATP6V0A2 gene. It does not directly change the encoded amino acid sequence of the ATP6V0A2 protein. In summary, the available evidence is currently insufficient to determine the role of this variant in disease. Therefore, it has been classified as a Variant of Uncertain Significance. Algorithms developed to predict the effect of sequence changes on RNA splicing suggest that this variant may disrupt the consensus splice site. ClinVar contains an entry for this variant (Variation ID: 2137546). This variant has not been reported in the literature in individuals affected with ATP6V0A2-related conditions. This variant is not present in population databases (gnomAD no frequency).

NM_012463.4(ATP6V0A2):c.197-16A>G

Gene: ATP6V0A2 (ATPase H+ transporting V0 subunit a2; plus strand). Cytogenetic location: 12q24.31.
Variant type: single nucleotide variant.
Coding change: c.197-16A>G on transcript NM_012463.4 (MANE Select); 16 bases into the intron before coding-DNA position 197, A replaced by G.
Molecular consequence: intron variant.
Genome position (GRCh38, 1-based): chr12:123,722,335, A>G. VCF-style: chr12-123722335-A-G. GRCh37 (hg19) VCF-style: chr12-124206882-A-G.
Identifiers: ClinVar variation 2137546 (VCV002137546.4), dbSNP rs779133117, ClinGen allele CA245184617.